The following is an entry in ClinVar:

ClinVar aggregate classification (germline): Pathogenic (1 of 4 stars; one submission).

Conditions:
VPS13A-related neurodegenerative disease. Also called: ACANTHOCYTOSIS WITH NEUROLOGIC DISORDER; LEVINE-CRITCHLEY SYNDROME; Choreoacanthocytosis; Chorea-acanthocytosis; Choreaacanthocytosis; VPS13A Disease. Identifiers: Orphanet 2388, MedGen C0393576, MONDO:0008695, OMIM 200150.

Submission:

Myriad Genetics, Inc.
Classification: Pathogenic for VPS13A-related neurodegenerative disease. Last evaluated: 2024-11-04. Review status: criteria provided, single submitter. Criteria: Myriad Autosomal Dominant, Autosomal Recessive and X-Linked Classification Criteria (2023). Collection method: clinical testing. Allele origin: unknown.
Comment: NM_033305.2(VPS13A):c.4887_4890dupTTAT(Q1631Lfs*43) is expected to be pathogenic in the context of VPS13A disease. This variant is predicted to lead to an abnormal or absent protein product due to the creation of a premature termination codon in VPS13A, a gene where loss-of-function variants are known to be pathogenic. Please note: this variant was assessed in the context of healthy population screening.

NM_033305.3(VPS13A):c.4887_4890dup (p.Gln1631fs)

Gene: VPS13A (vacuolar protein sorting 13 homolog A; plus strand). Cytogenetic location: 9q21.2.
Variant type: Duplication.
Coding change: c.4887_4890dup on transcript NM_033305.3 (MANE Select); coding-DNA positions 4887 to 4890, 4 bases duplicated (TTAT; older notation c.4887_4890dupTTAT).
Protein change: p.Gln1631fs; shifts the reading frame from glutamine 1631.
Molecular consequence: frameshift variant.
Genome position (GRCh38, 1-based): chr9:77,317,629-77,317,632, TTAT duplicated; duplicating any 4 consecutive bases within chr9:77,317,628-77,317,632 gives the same sequence; the c. name uses the placement nearest the transcript's 3' end. VCF-style (leftmost placement, unchanged base first): chr9-77317627-T-TTTTA. GRCh37 (hg19) VCF-style: chr9-79932543-T-TTTTA.
Other names: c.4770_4773dup, p.Gln1592fs (NM_001018037.2); c.4887_4890dup, p.Gln1631fs (NM_001018038.3, NM_015186.4); short protein forms Q1592fs, Q1631fs.
Identifiers: ClinVar variation 5013705 (VCV005013705.1).